The following is an entry in ClinVar:

ClinVar aggregate classification (germline): Likely benign. Review status: criteria provided, multiple submitters, no conflicts (2 of 4 stars). 2 submissions from 2 submitters: Likely benign (2). Last evaluated 2023-04-28.

Allele frequency attached by ClinVar (database versions not stated): gnomAD exomes below 0.00001; gnomAD 0.00003; TOPMed 0.00006.
gnomAD v4.1: 6 of 1,613,646 alleles (0.00037%); highest among the groups gnomAD compares: African/African-American, 0.008%; no homozygotes.

Submissions (2):

Labcorp Genetics (formerly Invitae), Labcorp
Classification: Likely benign. Last evaluated: 2023-04-28. Review status: criteria provided, single submitter. Criteria: Invitae Variant Classification Sherloc (09022015). Collection method: clinical testing. Allele origin: germline.

Laboratory for Molecular Medicine, Mass General Brigham Personalized Medicine
Classification: Likely benign. Last evaluated: 2016-12-13. Review status: criteria provided, single submitter. Criteria: LMM Criteria. Collection method: clinical testing. Allele origin: germline. Observed: 1 variant allele.
Comment: p.Leu1676Leu in exon 18 of MYO15A: This variant is not expected to have clinica l significance because it does not alter an amino acid residue and it is not loc ated within the splice consensus sequence. It is not predicted to impact splici ng and >10 mammals have a G at this nucleotide position.

NM_016239.4(MYO15A):c.5028A>G (p.Leu1676=)

Gene: MYO15A (myosin XVA; plus strand). Cytogenetic location: 17p11.2.
Variant type: single nucleotide variant.
Coding change: c.5028A>G on transcript NM_016239.4 (MANE Select); coding-DNA position 5028, A replaced by G.
Protein change: p.Leu1676=; no amino-acid change (leucine 1676 retained).
Molecular consequence: synonymous variant.
Genome position (GRCh38, 1-based): chr17:18,138,831, A>G. VCF-style: chr17-18138831-A-G. GRCh37 (hg19) VCF-style: chr17-18042145-A-G.
Identifiers: ClinVar variation 517212 (VCV000517212.7), dbSNP rs926008291, ClinGen allele CA288402498.